The following is an entry in ClinVar:

NM_000204.5(CFI):c.842A>C (p.Glu281Ala)

Gene: CFI (complement factor I; minus strand). Cytogenetic location: 4q25.
Variant type: single nucleotide variant.
Coding change: c.842A>C on transcript NM_000204.5 (MANE Select); coding-DNA position 842, A replaced by C.
Protein change: p.Glu281Ala; replaces glutamic acid 281 with alanine.
Molecular consequence: missense variant. On other transcripts: non-coding transcript variant (3).
Genome position (GRCh38, 1-based): chr4:109,760,311, T>G on the plus strand (A>C on the coding strand, the complement: CFI is on the minus strand). VCF-style: chr4-109760311-T-G. GRCh37 (hg19) VCF-style: chr4-110681467-T-G.
Other names: c.842A>C, p.Glu281Ala (NM_001318057.2, NM_001331035.2, NM_001375278.1 and 10 more transcripts); c.233A>C, p.Glu78Ala (NM_001375284.1); short protein forms E281A, E78A.
Identifiers: ClinVar variation 4280465 (VCV004280465.1).

ClinVar aggregate classification (germline): Uncertain significance (1 of 4 stars; one submission).

Conditions:
CFI-related disorder. Also called: CFI-related condition; CFI-related disorders. Identifiers: MedGen CN239325.

Submission:

Genomenon, Inc
Classification: Uncertain significance for CFI-related disorder. Last evaluated: 2025-09-26. Review status: criteria provided, single submitter. Criteria: Genomenon Sequence Variant Interpretation Standards - Updated. Collection method: curation. Allele origin: germline. Affected: no.
Comment: CFI p.Glu281Ala (c.842A>C) is a missense variant that changes the amino acid at residue 281 from Glutamic acid to Alanine. To our knowledge, this variant has not been reported in patients affected with CFI-related disorders in the published literature. Functional studies have been reported; however, the significance of the findings remain unclear (PMID:37363824). The variant is located in a mutational hotspot. It is absent or not present at a significant frequency in gnomAD. In silico models agree that this variant is possibly or probably damaging. In conclusion, we classify CFI p.Glu281Ala (c.842A>C) as a variant of unknown significance.

Literature cited by the submitters: PubMed 37363824.